The following is an entry in ClinVar:

ClinVar aggregate classification (germline): Uncertain significance (1 of 4 stars; one submission).

Submission:

Dasa
Classification: Uncertain significance. Last evaluated: 2026-06-27. Review status: criteria provided, single submitter. Criteria: DASA Assertion Criteria. Collection method: clinical testing. Allele origin: germline.
Comment: NM_018026.4(PACS1):c.2578C>T (p.Arg860Cys) is a missense variant that results in the substitution of arginine with cysteine. This variant is rare in population databases. Computational prediction algorithms are consistent with a deleterious effect. The currently available literature and clinical evidence are not sufficient to establish a definitive association between this variant and the reported condition. Therefore, this variant is classified as a variant of uncertain significance.

NM_018026.4(PACS1):c.2578C>T (p.Arg860Cys)

Gene: PACS1 (phosphofurin acidic cluster sorting protein 1; plus strand). Cytogenetic location: 11q13.2.
Variant type: single nucleotide variant.
Coding change: c.2578C>T on transcript NM_018026.4 (MANE Select); coding-DNA position 2578, C replaced by T.
Protein change: p.Arg860Cys; replaces arginine 860 with cysteine.
Molecular consequence: missense variant.
Genome position (GRCh38, 1-based): chr11:66,241,575, C>T. VCF-style: chr11-66241575-C-T. GRCh37 (hg19) VCF-style: chr11-66009046-C-T.
Other names: short protein forms R860C.
Identifiers: ClinVar variation 5020296 (VCV005020296.1).